The following is an entry in ClinVar:

NM_001267550.2(TTN):c.61500C>A (p.Val20500=)

Genes: TTN-AS1 (TTN antisense RNA 1; plus strand), TTN (titin; minus strand). Cytogenetic location: 2q31.2.
Variant type: single nucleotide variant.
Coding change: c.61500C>A on transcript NM_001267550.2 (MANE Select); coding-DNA position 61500, C replaced by A.
Protein change: p.Val20500=; no amino-acid change (valine 20500 retained).
Molecular consequence: synonymous variant.
Genome position (GRCh38, 1-based): chr2:178,590,225, G>T on the plus strand (C>A on the coding strand, the complement: TTN is on the minus strand). VCF-style: chr2-178590225-G-T. GRCh37 (hg19) VCF-style: chr2-179454952-G-T.
Other names: c.56577C>A, p.Val18859= (NM_001256850.1); c.34305C>A, p.Val11435= (NM_003319.4); c.53796C>A, p.Val17932= (NM_133378.4); c.34680C>A, p.Val11560= (NM_133432.3); c.34881C>A, p.Val11627= (NM_133437.4).
Identifiers: ClinVar variation 386063 (VCV000386063.6), dbSNP rs1057522407, ClinGen allele CA16603890.

ClinVar aggregate classification (germline): Likely benign. Review status: criteria provided, multiple submitters, no conflicts (2 of 4 stars). 2 submissions from 2 submitters: Likely benign (2). Last evaluated 2025-06-22.

Conditions:
Dilated cardiomyopathy 1G (CMD1G). Identifiers: Orphanet 154, MedGen C1858763, MONDO:0011400, OMIM 604145.
Autosomal recessive limb-girdle muscular dystrophy type 2J (LGMDR10). Also called: Limb-girdle muscular dystrophy, type 2J; MUSCULAR DYSTROPHY, LIMB-GIRDLE, AUTOSOMAL RECESSIVE 10. Identifiers: Orphanet 140922, MedGen C1837342, MONDO:0012127, OMIM 608807.

Submissions (2):

Labcorp Genetics (formerly Invitae), Labcorp
Classification: Likely benign for Dilated cardiomyopathy 1G; Autosomal recessive limb-girdle muscular dystrophy type 2J. Last evaluated: 2025-06-22. Review status: criteria provided, single submitter. Criteria: Invitae Variant Classification Sherloc (09022015). Collection method: clinical testing. Allele origin: germline.

GeneDx
Classification: Likely benign. Last evaluated: 2016-05-04. Review status: criteria provided, single submitter. Criteria: GeneDx Variant Classification (06012015). Collection method: clinical testing. Allele origin: germline. Affected: yes.
Comment: This variant is considered likely benign or benign based on one or more of the following criteria: it is a conservative change, it occurs at a poorly conserved position in the protein, it is predicted to be benign by multiple in silico algorithms, and/or has population frequency not consistent with disease.